The following is an entry in ClinVar:

NM_019066.5(MAGEL2):c.390G>A (p.Val130=)

Gene: MAGEL2 (MAGE family member L2; minus strand). Cytogenetic location: 15q11.2.
Variant type: single nucleotide variant.
Coding change: c.390G>A on transcript NM_019066.5 (MANE Select); coding-DNA position 390, G replaced by A.
Protein change: p.Val130=; no amino-acid change (valine 130 retained).
Molecular consequence: synonymous variant.
Genome position (GRCh38, 1-based): chr15:23,647,353, C>T on the plus strand (G>A on the coding strand, the complement: MAGEL2 is on the minus strand). VCF-style: chr15-23647353-C-T. GRCh37 (hg19) VCF-style: chr15-23892500-C-T.
Identifiers: ClinVar variation 4773881 (VCV004773881.1).
Genomic context (GRCh38, chr15:23,647,353, plus strand): 5'-GGACATTGGGGTCCCCGGAGGAGGAGGATGGGCCATGGGAGCTCCGGGAGCTGAAGGATG[C>T]ACCATCAGGACTCCCGGGGTCGGAGGCTGGGCCATCGGGGCTCCCGGAGGTGGAGGATGC-3'
Protein context (NP_061939.3, residues 120-140): AQPPTPGVLM[Val130=]HPSAPGAPMA

ClinVar aggregate classification (germline): Uncertain significance (1 of 4 stars; one submission).

gnomAD v4.1: 6 of 1,528,182 alleles (0.00039%); highest among the groups gnomAD compares: Non-Finnish European, 0.00052%; no homozygotes.

Submission:

Labcorp Genetics (formerly Invitae), Labcorp
Classification: Uncertain significance. Last evaluated: 2025-02-12. Review status: criteria provided, single submitter. Criteria: Invitae Variant Classification Sherloc (09022015). Collection method: clinical testing. Allele origin: germline.
Comment: This sequence change affects codon 130 of the MAGEL2 mRNA. It is a 'silent' change, meaning that it does not change the encoded amino acid sequence of the MAGEL2 protein. This variant is not present in population databases (gnomAD no frequency). This variant has not been reported in the literature in individuals affected with MAGEL2-related conditions. In summary, the available evidence is currently insufficient to determine the role of this variant in disease. Therefore, it has been classified as a Variant of Uncertain Significance.